The following is an entry in ClinVar:

NM_001164688.2(RD3):c.140G>A (p.Arg47His)

Gene: RD3 (RD3 regulator of GUCY2D; minus strand). Cytogenetic location: 1q32.3.
Variant type: single nucleotide variant.
Coding change: c.140G>A on transcript NM_001164688.2 (MANE Select); coding-DNA position 140, G replaced by A.
Protein change: p.Arg47His; replaces arginine 47 with histidine.
Molecular consequence: missense variant.
Genome position (GRCh38, 1-based): chr1:211,481,276, C>T on the plus strand (G>A on the coding strand, the complement: RD3 is on the minus strand). VCF-style: chr1-211481276-C-T. GRCh37 (hg19) VCF-style: chr1-211654618-C-T.
Other names: c.140G>A, p.Arg47His (NM_183059.3); short protein forms R47H.
Identifiers: ClinVar variation 935765 (VCV000935765.8), dbSNP rs756510440, ClinGen allele CA1381146.

ClinVar aggregate classification (germline): Uncertain significance. Review status: criteria provided, multiple submitters, no conflicts (2 of 4 stars). 2 submissions from 2 submitters: Uncertain significance (2). Last evaluated 2022-09-02.

Conditions:
Leber congenital amaurosis 12 (LCA12). Identifiers: Orphanet 65, MedGen C1857743, MONDO:0012525, OMIM 610612.

Allele frequency attached by ClinVar (database versions not stated): gnomAD 0.00003 and 0.00004; ExAC 0.00004; gnomAD exomes 0.00004; TOPMed 0.00005.
gnomAD v4.1: 27 of 1,614,136 alleles (0.0017%); highest among the groups gnomAD compares: Middle Eastern, 0.016%; no homozygotes.

Submissions (2):

Blueprint Genetics
Classification: Uncertain significance. Last evaluated: 2022-09-02. Review status: criteria provided, single submitter. Criteria: ACMG Guidelines, 2015. Collection method: clinical testing. Allele origin: germline.

Labcorp Genetics (formerly Invitae), Labcorp
Classification: Uncertain significance for Leber congenital amaurosis 12. Last evaluated: 2022-04-30. Review status: criteria provided, single submitter. Criteria: Invitae Variant Classification Sherloc (09022015). Collection method: clinical testing. Allele origin: germline.
Comment: This variant is present in population databases (rs756510440, gnomAD 0.02%). This sequence change replaces arginine, which is basic and polar, with histidine, which is basic and polar, at codon 47 of the RD3 protein (p.Arg47His). This variant has not been reported in the literature in individuals affected with RD3-related conditions. ClinVar contains an entry for this variant (Variation ID: 935765). Algorithms developed to predict the effect of missense changes on protein structure and function are either unavailable or do not agree on the potential impact of this missense change (SIFT: "Deleterious"; PolyPhen-2: "Probably Damaging"; Align-GVGD: "Class C0"). In summary, the available evidence is currently insufficient to determine the role of this variant in disease. Therefore, it has been classified as a Variant of Uncertain Significance.